The following is an entry in ClinVar:

NM_004667.6(HERC2):c.10747-4C>T

Gene: HERC2 (HECT and RLD domain containing E3 ubiquitin protein ligase 2; minus strand). Cytogenetic location: 15q13.1.
Variant type: single nucleotide variant.
Coding change: c.10747-4C>T on transcript NM_004667.6 (MANE Select); 4 bases into the intron before coding-DNA position 10747, C replaced by T.
Molecular consequence: intron variant.
Genome position (GRCh38, 1-based): chr15:28,152,834, G>A on the plus strand (C>T on the coding strand, the complement: HERC2 is on the minus strand). VCF-style: chr15-28152834-G-A. GRCh37 (hg19) VCF-style: chr15-28397980-G-A.
Other names: c.10747-4C>T (NM_004667.4).
Identifiers: ClinVar variation 515357 (VCV000515357.5), dbSNP rs374553780, ClinGen allele CA7440749.

ClinVar aggregate classification (germline): Likely benign. Review status: criteria provided, multiple submitters, no conflicts (2 of 4 stars). 3 submissions from 3 submitters: Likely benign (2). 1 of the submissions does not count toward it. Last evaluated 2022-08-30.

Conditions:
Inborn genetic diseases. Identifiers: MedGen C0950123, MeSH D030342.
HERC2-related disorder. Also called: HERC2-related condition.

Allele frequency attached by ClinVar (database versions not stated): gnomAD exomes 0.00002; ExAC 0.00005; ESP Exome Variant Server 0.00023; gnomAD 0.00025 and 0.00028; TOPMed 0.00026.
gnomAD v4.1: 62 of 1,561,374 alleles (0.004%); highest among the groups gnomAD compares: African/African-American, 0.068%; no homozygotes.

Submissions (3):

Ambry Genetics
Classification: Likely benign for Inborn genetic diseases. Last evaluated: 2022-08-30. Review status: criteria provided, single submitter. Criteria: Ambry Variant Classification Scheme 2023. Collection method: clinical testing. Allele origin: germline.

GeneDx
Classification: Likely benign. Last evaluated: 2018-02-22. Review status: criteria provided, single submitter. Criteria: GeneDx Variant Classification (06012015). Collection method: clinical testing. Allele origin: germline. Affected: yes.
Comment: This variant is considered likely benign or benign based on one or more of the following criteria: it is a conservative change, it occurs at a poorly conserved position in the protein, it is predicted to be benign by multiple in silico algorithms, and/or has population frequency not consistent with disease.

PreventionGenetics, part of Exact Sciences
Classification: Likely benign for HERC2-related condition. Last evaluated: 2019-09-17. Review status: no assertion criteria provided. Collection method: clinical testing. Allele origin: germline. Not counted in ClinVar's aggregate classification.
Comment: This variant is classified as likely benign based on ACMG/AMP sequence variant interpretation guidelines (Richards et al. 2015 PMID: 25741868, with internal and published modifications).